The following is an entry in ClinVar:

NM_021813.4(BACH2):c.1429T>G (p.Ser477Ala)

Gene: BACH2 (BACH transcriptional regulator 2; minus strand). Cytogenetic location: 6q15.
Variant type: single nucleotide variant.
Coding change: c.1429T>G on transcript NM_021813.4 (MANE Select); coding-DNA position 1429, T replaced by G.
Protein change: p.Ser477Ala; replaces serine 477 with alanine.
Molecular consequence: missense variant.
Genome position (GRCh38, 1-based): chr6:89,950,677, A>C on the plus strand (T>G on the coding strand, the complement: BACH2 is on the minus strand). VCF-style: chr6-89950677-A-C. GRCh37 (hg19) VCF-style: chr6-90660396-A-C.
Other names: c.1429T>G, p.Ser477Ala (NM_001170794.2); short protein forms S477A.
Identifiers: ClinVar variation 1721876 (VCV001721876.5), dbSNP rs2533565329, ClinGen allele CA365070854.
Genomic context (GRCh38, chr6:89,950,677, plus strand): 5'-TGGGCCGCATCCTTCCTGGCAAGTGGTCGGCCATCAGCCCACCGTGGGAGTAGGCCTGCG[A>C]GCTGGGGAGGGACTGGCCGGCTCCCACCCACAGACCCTTTGGCACCGGCTCAGAGAGGTC-3'
Protein context (NP_068585.1, residues 467-487): WVGAGQSLPS[Ser477Ala]QAYSHGGLMA

ClinVar aggregate classification (germline): Uncertain significance (1 of 4 stars; one submission).

Submission:

Labcorp Genetics (formerly Invitae), Labcorp
Classification: Uncertain significance. Last evaluated: 2022-10-19. Review status: criteria provided, single submitter. Criteria: Invitae Variant Classification Sherloc (09022015). Collection method: clinical testing. Allele origin: germline.
Comment: In summary, the available evidence is currently insufficient to determine the role of this variant in disease. Therefore, it has been classified as a Variant of Uncertain Significance. Advanced modeling of protein sequence and biophysical properties (such as structural, functional, and spatial information, amino acid conservation, physicochemical variation, residue mobility, and thermodynamic stability) performed at Invitae indicates that this missense variant is not expected to disrupt BACH2 protein function. This variant has not been reported in the literature in individuals affected with BACH2-related conditions. This variant is not present in population databases (gnomAD no frequency). This sequence change replaces serine, which is neutral and polar, with alanine, which is neutral and non-polar, at codon 477 of the BACH2 protein (p.Ser477Ala).